The following is an entry in ClinVar:

NM_000138.5(FBN1):c.6591G>T (p.Glu2197Asp)

Gene: FBN1 (fibrillin 1; minus strand). Cytogenetic location: 15q21.1.
Variant type: single nucleotide variant.
Coding change: c.6591G>T on transcript NM_000138.5 (MANE Select); coding-DNA position 6591, G replaced by T.
Protein change: p.Glu2197Asp; replaces glutamic acid 2197 with aspartic acid.
Molecular consequence: missense variant.
Genome position (GRCh38, 1-based): chr15:48,434,619, C>A on the plus strand (G>T on the coding strand, the complement: FBN1 is on the minus strand). VCF-style: chr15-48434619-C-A. GRCh37 (hg19) VCF-style: chr15-48726816-C-A.
Other names: short protein forms E2197D.
Identifiers: ClinVar variation 1330512 (VCV001330512.14), dbSNP rs2141237031, ClinGen allele CA392334733.

ClinVar aggregate classification (germline): Uncertain significance. Review status: criteria provided, multiple submitters, no conflicts (2 of 4 stars). 4 submissions from 4 submitters: Uncertain significance (4). Last evaluated 2024-08-23.

Conditions:
Marfan syndrome (MFS). Also called: Marfan syndrome type 1; Marfan's syndrome; FBN1-Related Marfan Syndrome; MARFAN SYNDROME, TYPE I; Marfan syndrome, classic. Identifiers: Orphanet 284963, Orphanet 558, MedGen C0024796, MONDO:0007947, OMIM 154700.
Familial thoracic aortic aneurysm and aortic dissection (TAAD). Also called: Thoracic aortic aneurysms and dissections. Identifiers: Orphanet 91387, MedGen C4707243, MONDO:0019625.

Submissions (4):

All of Us Research Program, National Institutes of Health
Classification: Uncertain significance for Marfan syndrome. Last evaluated: 2024-08-23. Review status: criteria provided, single submitter. Criteria: ACMG Guidelines, 2015. Collection method: clinical testing. Allele origin: germline. Inheritance: Autosomal dominant inheritance. Observed: 1 variant allele, 1 heterozygote.
Comment: This missense variant replaces glutamic acid with aspartic acid at codon 2197 of the FBN1 protein. Computational prediction suggests that this variant may have deleterious impact on protein structure and function (internally defined REVEL score threshold >= 0.7, PMID: 27666373). To our knowledge, functional studies have not been reported for this variant. This variant has not been reported in individuals affected with FBN1-related disorders in the literature. This variant has not been identified in the general population by the Genome Aggregation Database (gnomAD). The available evidence is insufficient to determine the role of this variant in disease conclusively. Therefore, this variant is classified as a Variant of Uncertain Significance.

This study involves interpretation of variants in research participants for the purpose of population health screening. Participant phenotype was not available at the time of variant classification. Additional details can be found in publication PMID: 35346344, PMCID: PMC8962531

Labcorp Genetics (formerly Invitae), Labcorp
Classification: Uncertain significance for Marfan syndrome; Familial thoracic aortic aneurysm and aortic dissection. Last evaluated: 2023-01-15. Review status: criteria provided, single submitter. Criteria: Invitae Variant Classification Sherloc (09022015). Collection method: clinical testing. Allele origin: germline.
Comment: In summary, the available evidence is currently insufficient to determine the role of this variant in disease. Therefore, it has been classified as a Variant of Uncertain Significance. Advanced modeling of protein sequence and biophysical properties (such as structural, functional, and spatial information, amino acid conservation, physicochemical variation, residue mobility, and thermodynamic stability) has been performed at Invitae for this missense variant, however the output from this modeling did not meet the statistical confidence thresholds required to predict the impact of this variant on FBN1 protein function. ClinVar contains an entry for this variant (Variation ID: 1330512). This variant has not been reported in the literature in individuals affected with FBN1-related conditions. This variant is not present in population databases (gnomAD no frequency). This sequence change replaces glutamic acid, which is acidic and polar, with aspartic acid, which is acidic and polar, at codon 2197 of the FBN1 protein (p.Glu2197Asp).

Ambry Genetics
Classification: Uncertain significance for Familial thoracic aortic aneurysm and aortic dissection. Last evaluated: 2021-03-29. Review status: criteria provided, single submitter. Criteria: Ambry Variant Classification Scheme 2023. Collection method: clinical testing. Allele origin: germline.
Comment: The p.E2197D variant (also known as c.6591G>T), located in coding exon 53 of the FBN1 gene, results from a G to T substitution at nucleotide position 6591. The glutamic acid at codon 2197 is replaced by aspartic acid, an amino acid with highly similar properties, and is located in the cbEGF-like #33 domain. This amino acid position is highly conserved in available vertebrate species. In addition, the in silico prediction for this alteration is inconclusive. Since supporting evidence is limited at this time, the clinical significance of this alteration remains unclear.

ARUP Laboratories, Molecular Genetics and Genomics, ARUP Laboratories
Classification: Uncertain significance. Last evaluated: 2021-02-10. Review status: criteria provided, single submitter. Criteria: ARUP Molecular Germline Variant Investigation Process 2021. Collection method: clinical testing. Allele origin: germline.
Comment: The FBN1 c.6591G>T; p.Glu2197Asp variant, to our knowledge, is not reported in the medical literature or gene specific databases. This variant is absent from general population databases (Exome Variant Server, Genome Aggregation Database), indicating it is not a common polymorphism. The glutamic acid at codon 2197 is highly conserved, and computational analyses predict that this variant is deleterious (REVEL: 0.705). However, given the lack of clinical and functional data, the significance of the p.Glu2197Asp variant is uncertain at this time.